The following is an entry in ClinVar:

ClinVar aggregate classification (germline): Conflicting classifications of pathogenicity. Review status: criteria provided, conflicting classifications (1 of 4 stars). 9 submissions from 8 submitters: Uncertain significance (1); Benign (6). 2 of the submissions do not count toward it. Last evaluated 2026-06-01.

Conditions:
Autosomal recessive ataxia, Beauce type. Also called: SYNE1-Related Autosomal Recessive Cerebellar Ataxia; ATAXIA, RECESSIVE, OF BEAUCE; SYNE1 Deficiency; Spinocerebellar ataxia, autosomal recessive 8. Identifiers: Orphanet 88644, MedGen C1853116, MONDO:0012549, OMIM 610743.
Emery-Dreifuss muscular dystrophy 4, autosomal dominant (EDMD4). Also called: EMERY-DREIFUSS MUSCULAR DYSTROPHY 4 WITH VARIABLE FEATURES. Identifiers: Orphanet 261, MedGen C2751807, MONDO:0013071, OMIM 612998.

Allele frequency attached by ClinVar (database versions not stated): 1000 Genomes Project 30x 0.00016; 1000 Genomes Project 0.00020; ESP Exome Variant Server 0.00069; gnomAD 0.00073 and 0.00077; gnomAD exomes 0.00078 and 0.00125; ExAC 0.00099; TOPMed 0.00099.
gnomAD v4.1: 1,359 of 1,614,080 alleles (0.084%); highest among the groups gnomAD compares: Middle Eastern, 1.1%; 13 homozygotes.

Submissions (9):

CeGaT Center for Human Genetics Tuebingen
Classification: Benign. Last evaluated: 2026-06-01. Review status: criteria provided, single submitter. Criteria: CeGaT Center For Human Genetics Tuebingen Variant Classification Criteria Version 2. Collection method: clinical testing. Allele origin: germline. Affected: yes. Observed: 5 variant alleles.
Comment: SYNE1: BP4, BS1, BS2

Labcorp Genetics (formerly Invitae), Labcorp
Classification: Benign for Emery-Dreifuss muscular dystrophy 4, autosomal dominant; Autosomal recessive ataxia, Beauce type. Last evaluated: 2026-01-19. Review status: criteria provided, single submitter. Criteria: Invitae Variant Classification Sherloc (09022015). Collection method: clinical testing. Allele origin: germline.

Athena Diagnostics
Classification: Benign. Last evaluated: 2024-02-05. Review status: criteria provided, single submitter. Criteria: Athena Diagnostics Criteria. Collection method: clinical testing. Allele origin: unknown.

GeneDx
Classification: Benign. Last evaluated: 2018-01-23. Review status: criteria provided, single submitter. Criteria: GeneDx Variant Classification (06012015). Collection method: clinical testing. Allele origin: germline. Affected: yes.
Comment: This variant is considered likely benign or benign based on one or more of the following criteria: it is a conservative change, it occurs at a poorly conserved position in the protein, it is predicted to be benign by multiple in silico algorithms, and/or has population frequency not consistent with disease.

Illumina Laboratory Services, Illumina
Classification: Benign for Emery-Dreifuss muscular dystrophy 4, autosomal dominant. Last evaluated: 2018-01-13. Review status: criteria provided, single submitter. Criteria: ICSL Variant Classification Criteria 13 December 2019. Collection method: clinical testing. Allele origin: germline.
Comment: This variant was observed in the ICSL laboratory as part of a predisposition screen in an ostensibly healthy population. It had not been previously curated by ICSL or reported in the Human Gene Mutation Database (HGMD: prior to June 1st, 2018), and was therefore a candidate for classification through an automated scoring system. Utilizing variant allele frequency, disease prevalence and penetrance estimates, and inheritance mode, an automated score was calculated to assess if this variant is too frequent to cause the disease. Based on the score and internal cut-off values, a variant classified as benign is not then subjected to further curation. The score for this variant resulted in a classification of benign for this disease.

Illumina Laboratory Services, Illumina
Classification: Uncertain significance for Autosomal recessive ataxia, Beauce type. Last evaluated: 2018-01-13. Review status: criteria provided, single submitter. Criteria: ICSL Variant Classification Criteria 13 December 2019. Collection method: clinical testing. Allele origin: germline.

Eurofins Ntd Llc (ga)
Classification: Benign. Last evaluated: 2016-09-22. Review status: criteria provided, single submitter. Criteria: EGL Classification Definitions 2015. Collection method: clinical testing. Allele origin: germline. Observed: 12 variant alleles, 12 heterozygotes.

Clinical Genetics DNA and cytogenetics Diagnostics Lab, Erasmus MC, Erasmus Medical Center
Classification: Likely benign. Review status: no assertion criteria provided. Collection method: clinical testing. Allele origin: germline. Affected: yes. Study: VKGL Data-share Consensus. Not counted in ClinVar's aggregate classification.

Genome Diagnostics Laboratory, University Medical Center Utrecht
Classification: Likely benign. Review status: no assertion criteria provided. Collection method: clinical testing. Allele origin: germline. Affected: yes. Study: VKGL Data-share Consensus. Not counted in ClinVar's aggregate classification.

NM_182961.4(SYNE1):c.17797G>A (p.Ala5933Thr)

Gene: SYNE1 (spectrin repeat containing nuclear envelope protein 1; minus strand). Cytogenetic location: 6q25.2.
Variant type: single nucleotide variant.
Coding change: c.17797G>A on transcript NM_182961.4 (MANE Select); coding-DNA position 17797, G replaced by A.
Protein change: p.Ala5933Thr; replaces alanine 5933 with threonine.
Molecular consequence: missense variant.
Genome position (GRCh38, 1-based): chr6:152,294,013, C>T on the plus strand (G>A on the coding strand, the complement: SYNE1 is on the minus strand). VCF-style: chr6-152294013-C-T. GRCh37 (hg19) VCF-style: chr6-152615148-C-T.
Other names: c.17584G>A, p.Ala5862Thr (NM_033071.5); short protein forms A5862T, A5933T.
Identifiers: ClinVar variation 199226 (VCV000199226.48), dbSNP rs113962905, ClinGen allele CA248320.
Genomic context (GRCh38, chr6:152,294,013, plus strand): 5'-GACTTACCACATTCTTTAAGGTTTCCCAAGAACGCTGCAAATCACCCAGTTTGGCAGTAG[C>T]GGATGGCTCCAATCCCGGTTCATAGAACTCCTGGGATGCGGATGTGCTGGGGTGAATTTT-3'
Protein context (NP_892006.3, residues 5923-5943): EFYEPGLEPS[Ala5933Thr]TAKLGDLQRS